The following is an entry in ClinVar:

ClinVar aggregate classification (germline): Uncertain significance (1 of 4 stars; one submission).

Conditions:
Hereditary cancer-predisposing syndrome. Also called: Neoplastic Syndromes, Hereditary; Tumor predisposition; Hereditary Cancer Syndrome; Hereditary neoplastic syndrome. Identifiers: Orphanet 140162, MedGen C0027672, MeSH D009386, MONDO:0015356.

Submission:

Ambry Genetics
Classification: Uncertain significance for Hereditary cancer-predisposing syndrome. Last evaluated: 2026-02-14. Review status: criteria provided, single submitter. Criteria: Ambry Variant Classification Scheme 2023. Collection method: clinical testing. Allele origin: germline.
Comment: The p.D2796N variant (also known as c.8386G>A), located in coding exon 15 of the APC gene, results from a G to A substitution at nucleotide position 8386. The aspartic acid at codon 2796 is replaced by asparagine, an amino acid with highly similar properties. This amino acid position is conserved. In addition, in silico predictors for this gene do not accurately predict pathogenicity. Based on the available evidence, the clinical significance of this variant remains unclear.

NM_000038.6(APC):c.8386G>A (p.Asp2796Asn)

Gene: APC (APC regulator of Wnt signaling pathway; plus strand). Cytogenetic location: 5q22.2.
Variant type: single nucleotide variant.
Coding change: c.8386G>A on transcript NM_000038.6 (MANE Select); coding-DNA position 8386, G replaced by A.
Protein change: p.Asp2796Asn; replaces aspartic acid 2796 with asparagine.
Molecular consequence: missense variant. On other transcripts: non-coding transcript variant (2).
Genome position (GRCh38, 1-based): chr5:112,843,980, G>A. VCF-style: chr5-112843980-G-A. GRCh37 (hg19) VCF-style: chr5-112179677-G-A.
Other names: c.8386G>A, p.Asp2796Asn (NM_001354895.2, NM_001127510.3, NM_001407450.1); c.8440G>A, p.Asp2814Asn (NM_001354896.2, NM_001407447.1, NM_001407448.1 and 1 more transcripts); c.8416G>A, p.Asp2806Asn (NM_001354897.2); c.8311G>A, p.Asp2771Asn (NM_001354898.2); c.8302G>A, p.Asp2768Asn (NM_001354899.2); c.8263G>A, p.Asp2755Asn (NM_001354900.2); c.8209G>A, p.Asp2737Asn (NM_001354901.2, NM_001407453.1); c.8113G>A, p.Asp2705Asn (NM_001354902.2); and 11 more; short protein forms D2636N, D2667N, D2670N, D2768N, D2771N, D2695N, D2737N, D2778N.
Identifiers: ClinVar variation 4825049 (VCV004825049.1).